The following is an entry in ClinVar:

ClinVar aggregate classification (germline): Pathogenic (1 of 4 stars; one submission).

Conditions:
Cystic fibrosis (CF). Also called: MUCOVISCIDOSIS. Identifiers: Orphanet 586, MedGen C0010674, MONDO:0009061, OMIM 219700. Disease mechanism: loss of function.

Submission:

Women's Health and Genetics/Laboratory Corporation of America, LabCorp
Classification: Pathogenic for Cystic fibrosis. Last evaluated: 2024-11-29. Review status: criteria provided, single submitter. Criteria: LabCorp Variant Classification Summary - May 2015. Collection method: clinical testing. Allele origin: germline.
Comment: Variant summary: CFTR c.1708_1712delTTATT (p.Leu570ArgfsX17) results in a premature termination codon, predicted to cause a truncation of the encoded protein or absence of the protein due to nonsense mediated decay, which are commonly known mechanisms for disease. The variant was absent in 250462 control chromosomes. To our knowledge, no occurrence of c.1708_1712delTTATT in individuals affected with Cystic Fibrosis and no experimental evidence demonstrating its impact on protein function have been reported. No submitters have cited clinical-significance assessments for this variant to ClinVar. Based on the evidence outlined above, the variant was classified as pathogenic.

NM_000492.4(CFTR):c.1708_1712del (p.Leu570fs)

Gene: CFTR (CF transmembrane conductance regulator; plus strand). Cytogenetic location: 7q31.2.
Variant type: Deletion.
Coding change: c.1708_1712del on transcript NM_000492.4 (MANE Select); coding-DNA positions 1708 to 1712, 5 bases deleted (TTATT; older notation c.1708_1712delTTATT).
Protein change: p.Leu570fs; shifts the reading frame from leucine 570.
Molecular consequence: frameshift variant.
Genome position (GRCh38, 1-based): chr7:117,590,381-117,590,385, TTATT deleted; deleting any 5 consecutive bases within chr7:117,590,380-117,590,385 gives the same sequence; the c. name uses the placement nearest the transcript's 3' end. VCF-style (leftmost placement, unchanged base first): chr7-117590379-ATTTAT-A. GRCh37 (hg19) VCF-style: chr7-117230433-ATTTAT-A.
Other names: c.1708_1712delTTATT (NM_000492.4); short protein forms L570fs.
Identifiers: ClinVar variation 3629593 (VCV003629593.2).
Genomic context (GRCh38, chr7:117,590,379, plus strand): 5'-AGGAAATGTAATTTAATTTCCATTTTCTTTTTAGAGCAGTATACAAAGATGCTGATTTGT[ATTTAT>A]TAGACTCTCCTTTTGGATACCTAGATGTTTTAACAGAAAAAGAAATATTTGAAAGGTATG-3'